The following is an entry in ClinVar:

NM_015231.3(NUP160):c.949A>G (p.Thr317Ala)

Gene: NUP160 (nucleoporin 160; minus strand). Cytogenetic location: 11p11.2.
Variant type: single nucleotide variant.
Coding change: c.949A>G on transcript NM_015231.3 (MANE Select); coding-DNA position 949, A replaced by G.
Protein change: p.Thr317Ala; replaces threonine 317 with alanine.
Molecular consequence: missense variant. On other transcripts: non-coding transcript variant (1).
Genome position (GRCh38, 1-based): chr11:47,835,701, T>C on the plus strand (A>G on the coding strand, the complement: NUP160 is on the minus strand). VCF-style: chr11-47835701-T-C. GRCh37 (hg19) VCF-style: chr11-47857253-T-C.
Other names: p.Thr351Ala; short protein forms T351A, T317A.
Identifiers: ClinVar variation 1327016 (VCV001327016.14), dbSNP rs3816605, ClinGen allele CA5981465.

ClinVar aggregate classification (germline): Benign. Review status: criteria provided, multiple submitters, no conflicts (2 of 4 stars). 5 submissions from 5 submitters: Benign (4). 1 of the submissions does not count toward it. Last evaluated 2026-02-01.

Conditions:
NUP160-related disorder. Also called: NUP160-related condition.
Nephrotic syndrome, type 19. Identifiers: MedGen C4748552, MONDO:0032582, OMIM 618178.

Allele frequency attached by ClinVar (database versions not stated): 1000 Genomes Project 30x 0.33776; gnomAD 0.34894 and 0.34042; TOPMed 0.33556; 1000 Genomes Project 0.34585; ESP Exome Variant Server 0.35713.
gnomAD v4.1: 691,292 of 1,601,690 alleles (43%); highest among the groups gnomAD compares: South Asian, 53%; 155,576 homozygotes.

Submissions (5):

Labcorp Genetics (formerly Invitae), Labcorp
Classification: Benign. Last evaluated: 2026-02-01. Review status: criteria provided, single submitter. Criteria: Invitae Variant Classification Sherloc (09022015). Collection method: clinical testing. Allele origin: germline.

Mayo Clinic Laboratories, Mayo Clinic
Classification: Benign. Last evaluated: 2022-03-09. Review status: criteria provided, single submitter. Criteria: ACMG Guidelines, 2015. Collection method: clinical testing. Allele origin: germline. Observed: 79 variant alleles.

Genome-Nilou Lab
Classification: Benign for Nephrotic syndrome, type 19. Last evaluated: 2021-09-05. Review status: criteria provided, single submitter. Criteria: ACMG Guidelines, 2015. Collection method: clinical testing. Allele origin: germline. Affected: no.

Breakthrough Genomics
Classification: Benign. Review status: criteria provided, single submitter. Criteria: ACMG Guidelines, 2015. Collection method: not provided. Allele origin: germline. Inheritance: Autosomal recessive inheritance. Affected: yes.

PreventionGenetics, part of Exact Sciences
Classification: Benign for NUP160-related condition. Last evaluated: 2019-07-18. Review status: no assertion criteria provided. Collection method: clinical testing. Allele origin: germline. Not counted in ClinVar's aggregate classification.
Comment: This variant is classified as benign based on ACMG/AMP sequence variant interpretation guidelines (Richards et al. 2015 PMID: 25741868, with internal and published modifications).